The following is an entry in ClinVar:

NM_003334.4(UBA1):c.598T>G (p.Cys200Gly)

Gene: UBA1 (ubiquitin like modifier activating enzyme 1; plus strand). Cytogenetic location: Xp11.3.
Variant type: single nucleotide variant.
Coding change: c.598T>G on transcript NM_003334.4 (MANE Select); coding-DNA position 598, T replaced by G.
Protein change: p.Cys200Gly; replaces cysteine 200 with glycine.
Molecular consequence: missense variant.
Genome position (GRCh38, 1-based): chrX:47,201,286, T>G. VCF-style: chrX-47201286-T-G. GRCh37 (hg19) VCF-style: chrX-47060685-T-G.
Other names: c.598T>G, p.Cys200Gly (NM_153280.3); c.598T>G (NM_003334.3); short protein forms C200G.
Identifiers: ClinVar variation 1450659 (VCV001450659.8), dbSNP rs200692291, ClinGen allele CA329033981.
Genomic context (GRCh38, chrX:47,201,286, plus strand): 5'-CCTGTATGTGCATGGGACACAGGCACCAGCCCTATTGCTTCCCTCTACAGGCAGCTCTTC[T>G]GTGACTTTGGAGAGGAAATGATCCTCACAGATTCCAATGGGGAGCAGCCACTCAGTGCTA-3'
Protein context (NP_003325.2, residues 190-210): DTRGLFGQLF[Cys200Gly]DFGEEMILTD

ClinVar aggregate classification (germline): Uncertain significance. Review status: criteria provided, multiple submitters, no conflicts (2 of 4 stars). 2 submissions from 2 submitters: Uncertain significance (2). Last evaluated 2026-06-15.

Conditions:
Infantile-onset X-linked spinal muscular atrophy. Also called: Spinal Muscular Atrophy, X-Linked Infantile; AMC, DISTAL, X-LINKED; ARTHROGRYPOSIS, X-LINKED, TYPE I; SPINAL MUSCULAR ATROPHY, X-LINKED LETHAL INFANTILE; Spinal muscular atrophy, X-linked 2. Identifiers: Orphanet 1145, MedGen C1844934, MONDO:0010532, OMIM 301830.
Inborn genetic diseases. Identifiers: MedGen C0950123, MeSH D030342.

Allele frequency attached by ClinVar (database versions not stated): gnomAD exomes 0.00002 and 0.00001; gnomAD 0.00001; TOPMed 0.00001.
gnomAD v4.1: 29 of 1,206,574 alleles (0.0024%); highest among the groups gnomAD compares: Non-Finnish European, 0.0029%; no homozygotes.

Submissions (3):

Ambry Genetics
Classification: Uncertain significance for Inborn genetic diseases. Last evaluated: 2026-06-15. Review status: criteria provided, single submitter. Criteria: Ambry Variant Classification Scheme 2023. Collection method: clinical testing. Allele origin: germline.
Comment: The c.598T>G (p.C200G) alteration is located in exon 7 (coding exon 6) of the UBA1 gene. This alteration results from a T to G substitution at nucleotide position 598, causing the cysteine (C) at amino acid position 200 to be replaced by a glycine (G). Based on data from gnomAD, the G allele has an overall frequency of 0.001% (1/172703) total alleles studied. The highest observed frequency was 0.001% (1/75978) of European (non-Finnish) alleles. Based on insufficient or conflicting evidence, the clinical significance of this alteration remains unclear.

Labcorp Genetics (formerly Invitae), Labcorp
Classification: Uncertain significance for Infantile-onset X-linked spinal muscular atrophy. Last evaluated: 2025-03-18. Review status: criteria provided, single submitter. Criteria: Invitae Variant Classification Sherloc (09022015). Collection method: clinical testing. Allele origin: germline.
Comment: This sequence change replaces cysteine, which is neutral and slightly polar, with glycine, which is neutral and non-polar, at codon 200 of the UBA1 protein (p.Cys200Gly). This variant is present in population databases (rs200692291, gnomAD 0.001%). This variant has not been reported in the literature in individuals affected with UBA1-related conditions. ClinVar contains an entry for this variant (Variation ID: 1450659). An algorithm developed to predict the effect of missense changes on protein structure and function (PolyPhen-2) suggests that this variant is likely to be disruptive. In summary, the available evidence is currently insufficient to determine the role of this variant in disease. Therefore, it has been classified as a Variant of Uncertain Significance.

Dr. Peter K. Rogan Lab, Western University
No classification provided (evidence only). Condition: Nonpapillary renal cell carcinoma. Review status: no classification provided. Collection method: in vitro. Allele origin: not applicable. Functional consequence: retained intron. Not counted in ClinVar's aggregate classification.